The following is an entry in ClinVar:

NM_006996.3(SLC19A2):c.62G>A (p.Arg21Gln)

Genes: SLC19A2 (solute carrier family 19 member 2; minus strand), LOC129931894 (ATAC-STARR-seq lymphoblastoid silent region 1546; plus strand). Cytogenetic location: 1q24.2.
Variant type: single nucleotide variant.
Coding change: c.62G>A on transcript NM_006996.3 (MANE Select); coding-DNA position 62, G replaced by A.
Protein change: p.Arg21Gln; replaces arginine 21 with glutamine.
Molecular consequence: missense variant.
Genome position (GRCh38, 1-based): chr1:169,485,705, C>T on the plus strand (G>A on the coding strand, the complement: SLC19A2 is on the minus strand). VCF-style: chr1-169485705-C-T. GRCh37 (hg19) VCF-style: chr1-169454943-C-T.
Other names: c.62G>A, p.Arg21Gln (NM_001319667.1); short protein forms R21Q.
Identifiers: ClinVar variation 4708115 (VCV004708115.1).

ClinVar aggregate classification (germline): Uncertain significance (1 of 4 stars; one submission).

gnomAD v4.1: 7 of 1,543,818 alleles (0.00045%); highest among the groups gnomAD compares: African/African-American, 0.0069%; no homozygotes.

Submission:

Labcorp Genetics (formerly Invitae), Labcorp
Classification: Uncertain significance. Last evaluated: 2025-04-14. Review status: criteria provided, single submitter. Criteria: Invitae Variant Classification Sherloc (09022015). Collection method: clinical testing. Allele origin: germline.
Comment: This sequence change replaces arginine, which is basic and polar, with glutamine, which is neutral and polar, at codon 21 of the SLC19A2 protein (p.Arg21Gln). This variant is not present in population databases (gnomAD no frequency). This variant has not been reported in the literature in individuals affected with SLC19A2-related conditions. Invitae Evidence Modeling of protein sequence and biophysical properties (such as structural, functional, and spatial information, amino acid conservation, physicochemical variation, residue mobility, and thermodynamic stability) indicates that this missense variant is not expected to disrupt SLC19A2 protein function with a negative predictive value of 95%. In summary, the available evidence is currently insufficient to determine the role of this variant in disease. Therefore, it has been classified as a Variant of Uncertain Significance.